The following is an entry in ClinVar:

ClinVar aggregate classification (germline): Uncertain significance (1 of 4 stars; one submission).

Submission:

GeneDx
Classification: Uncertain significance. Last evaluated: 2025-02-11. Review status: criteria provided, single submitter. Criteria: GeneDx Variant Classification Process June 2021. Collection method: clinical testing. Allele origin: germline. Affected: yes.
Comment: Not observed at significant frequency in large population cohorts (gnomAD); Has not been previously published as pathogenic or benign to our knowledge; In-frame insertion of 1 amino acid with an unclear effect on protein function

NM_005629.4(SLC6A8):c.1887_1888insATG (p.Val629_Val630insMet)

Gene: SLC6A8 (solute carrier family 6 member 8; plus strand). Cytogenetic location: Xq28.
Variant type: Insertion.
Coding change: c.1887_1888insATG on transcript NM_005629.4 (MANE Select); coding-DNA positions 1887 to 1888, ATG inserted.
Protein change: p.Val629_Val630insMet.
Molecular consequence: inframe insertion.
Genome position: GRCh38 VCF-style: chrX-153695193-C-CATG. GRCh37 (hg19) VCF-style: chrX-152960648-C-CATG.
Other names: c.1542_1543insATG, p.Val514_Val515insMet (NM_001142806.1); c.1857_1858insATG, p.Val619_Val620insMet (NM_001142805.2).
Identifiers: ClinVar variation 4074623 (VCV004074623.1).